The following is an entry in ClinVar:

ClinVar aggregate classification (germline): Uncertain significance (1 of 4 stars; one submission).

Submission:

GeneDx
Classification: Uncertain significance. Last evaluated: 2026-01-23. Review status: criteria provided, single submitter. Criteria: GeneDx Variant Classification Process June 2021. Collection method: clinical testing. Allele origin: germline.
Comment: Canonical splice site variant predicted to result in a null allele in a gene for which loss of function is a known mechanism of disease; Has not been previously published as pathogenic or benign to our knowledge; No data available from control populations to assess the frequency of this variant

NM_014738.6(TMEM94):c.2087-55_2108del

Gene: TMEM94 (transmembrane protein 94; plus strand). Cytogenetic location: 17q25.1.
Variant type: Deletion.
Coding change: c.2087-55_2108del on transcript NM_014738.6 (MANE Select); 55 bases into the intron before coding-DNA position 2087 through coding-DNA position 2108, 77 bases deleted.
Molecular consequence: splice acceptor variant.
Genome position (GRCh38, 1-based): chr17:75,493,436-75,493,512, 77 bases deleted. GRCh37 (hg19): chr17:73,489,517-73,489,593.
Other names: c.2087-55_2108del (NM_001438841.1, NM_001438847.1); c.2129-55_2150del (NM_001438842.1, NM_001438843.1); c.2099-55_2120del (NM_001321149.2, NM_001438845.1); c.2081-55_2102del (NM_001438848.1); c.2117-55_2138del (NM_001438844.1, NM_001321148.2, NM_001351203.2); c.2039-55_2060del (NM_001351202.2); c.2069-55_2090del (NM_001438846.1).
Identifiers: ClinVar variation 4975317 (VCV004975317.1).